The following is an entry in ClinVar:

ClinVar aggregate classification (germline): Uncertain significance. Review status: criteria provided, multiple submitters, no conflicts (2 of 4 stars). 2 submissions from 2 submitters: Uncertain significance (2). Last evaluated 2024-08-26.

Conditions:
Hereditary cancer-predisposing syndrome. Also called: Neoplastic Syndromes, Hereditary; Hereditary neoplastic syndrome; Tumor predisposition; Hereditary Cancer Syndrome. Identifiers: Orphanet 140162, MedGen C0027672, MeSH D009386, MONDO:0015356.

Submissions (2):

Ambry Genetics
Classification: Uncertain significance for Hereditary cancer-predisposing syndrome. Last evaluated: 2024-08-26. Review status: criteria provided, single submitter. Criteria: Ambry Variant Classification Scheme 2023. Collection method: clinical testing. Allele origin: germline.
Comment: The p.A14G variant (also known as c.41C>G), located in coding exon 1 of the NTHL1 gene, results from a C to G substitution at nucleotide position 41. The alanine at codon 14 is replaced by glycine, an amino acid with similar properties. This amino acid position is conserved. In addition, this alteration is predicted to be tolerated by in silico analysis. Based on the available evidence, the clinical significance of this variant remains unclear.

Labcorp Genetics (formerly Invitae), Labcorp
Classification: Uncertain significance. Last evaluated: 2022-10-05. Review status: criteria provided, single submitter. Criteria: Invitae Variant Classification Sherloc (09022015). Collection method: clinical testing. Allele origin: germline.
Comment: In summary, the available evidence is currently insufficient to determine the role of this variant in disease. Therefore, it has been classified as a Variant of Uncertain Significance. Algorithms developed to predict the effect of missense changes on protein structure and function are either unavailable or do not agree on the potential impact of this missense change (SIFT: "Not Available"; PolyPhen-2: "Benign"; Align-GVGD: "Not Available"). ClinVar contains an entry for this variant (Variation ID: 1394080). This variant has not been reported in the literature in individuals affected with NTHL1-related conditions. This variant is not present in population databases (gnomAD no frequency). This sequence change replaces alanine, which is neutral and non-polar, with glycine, which is neutral and non-polar, at codon 14 of the NTHL1 protein (p.Ala14Gly).

NM_002528.7(NTHL1):c.17C>G (p.Ala6Gly)

Gene: NTHL1 (nth like DNA glycosylase 1; minus strand). Cytogenetic location: 16p13.3.
Variant type: single nucleotide variant.
Coding change: c.17C>G on transcript NM_002528.7 (MANE Select); coding-DNA position 17, C replaced by G.
Protein change: p.Ala6Gly; replaces alanine 6 with glycine.
Molecular consequence: missense variant. On other transcripts: 5 prime UTR variant (1).
Genome position (GRCh38, 1-based): chr16:2,047,807, G>C on the plus strand (C>G on the coding strand, the complement: NTHL1 is on the minus strand). VCF-style: chr16-2047807-G-C. GRCh37 (hg19) VCF-style: chr16-2097808-G-C.
Other names: c.17C>G, p.Ala6Gly (NM_001318193.2); c.-162C>G (NM_001318194.2); c.41C>G (NM_002528.5); short protein forms A6G.
Identifiers: ClinVar variation 1394080 (VCV001394080.9), dbSNP rs767282292, ClinGen allele CA394298632.